The following is an entry in ClinVar:

NM_001813.3(CENPE):c.2132-1G>C

Gene: CENPE (centromere protein E; minus strand). Cytogenetic location: 4q24.
Variant type: single nucleotide variant.
Coding change: c.2132-1G>C on transcript NM_001813.3 (MANE Select); the canonical splice acceptor site of the intron before coding-DNA position 2132, G replaced by C.
Molecular consequence: splice acceptor variant.
Genome position (GRCh38, 1-based): chr4:103,160,780, C>G on the plus strand (G>C on the coding strand, the complement: CENPE is on the minus strand). VCF-style: chr4-103160780-C-G. GRCh37 (hg19) VCF-style: chr4-104081937-C-G.
Other names: c.2057-1G>C (NM_001286734.2).
Identifiers: ClinVar variation 932106 (VCV000932106.3), dbSNP rs1754377539, ClinGen allele CA357785250.

ClinVar aggregate classification (germline): Likely pathogenic (1 of 4 stars; one submission).

Conditions:
Microcephaly 13, primary, autosomal recessive. Identifiers: Orphanet 808, MedGen C4015080, MONDO:0014473, OMIM 616051.

Submission:

Centre for Mendelian Genomics, University Medical Centre Ljubljana
Classification: Likely pathogenic for Microcephaly 13, primary, autosomal recessive. Last evaluated: 2019-08-29. Review status: criteria provided, single submitter. Criteria: ACMG Guidelines, 2015. Collection method: clinical testing. Allele origin: unknown. Affected: yes.
Comment: This variant was classified as: Likely pathogenic. The following ACMG criteria were applied in classifying this variant: PVS1,PM2.